The following is an entry in ClinVar:

NM_003265.3(TLR3):c.1007A>G (p.Gln336Arg)

Gene: TLR3 (toll like receptor 3; plus strand). Cytogenetic location: 4q35.1.
Variant type: single nucleotide variant.
Coding change: c.1007A>G on transcript NM_003265.3 (MANE Select); coding-DNA position 1007, A replaced by G.
Protein change: p.Gln336Arg; replaces glutamine 336 with arginine.
Molecular consequence: missense variant.
Genome position (GRCh38, 1-based): chr4:186,082,693, A>G. VCF-style: chr4-186082693-A-G. GRCh37 (hg19) VCF-style: chr4-187003847-A-G.
Other names: short protein forms Q336R.
Identifiers: ClinVar variation 1475087 (VCV001475087.8), dbSNP rs2150067766, ClinGen allele CA358930646.
Genomic context (GRCh38, chr4:186,082,693, plus strand): 5'-ACTCTTTGCACGGGCTTTTCAATGTGAGGTACCTGAATTTGAAACGGTCTTTTACTAAAC[A>G]AAGTATTTCCCTTGCCTCACTCCCCAAGATTGATGATTTTTCTTTTCAGTGGCTAAAATG-3'
Protein context (NP_003256.1, residues 326-346): YLNLKRSFTK[Gln336Arg]SISLASLPKI

ClinVar aggregate classification (germline): Uncertain significance (1 of 4 stars; one submission).

Conditions:
Encephalopathy, acute, infection-induced (herpes-specific), susceptibility to, 1. Also called: Herpes simplex encephalitis, susceptibility to, 1. Identifiers: Orphanet 1930, MedGen C2750180, MONDO:0024563, OMIM 610551.

gnomAD v4.1: 4 of 1,614,098 alleles (0.00025%); highest among the groups gnomAD compares: South Asian, 0.0011%; no homozygotes.

Submission:

Labcorp Genetics (formerly Invitae), Labcorp
Classification: Uncertain significance for Encephalopathy, acute, infection-induced (herpes-specific), susceptibility to, 1. Last evaluated: 2023-10-05. Review status: criteria provided, single submitter. Criteria: Invitae Variant Classification Sherloc (09022015). Collection method: clinical testing. Allele origin: germline.
Comment: This sequence change replaces glutamine, which is neutral and polar, with arginine, which is basic and polar, at codon 336 of the TLR3 protein (p.Gln336Arg). This variant is not present in population databases (gnomAD no frequency). This variant has not been reported in the literature in individuals affected with TLR3-related conditions. ClinVar contains an entry for this variant (Variation ID: 1475087). An algorithm developed to predict the effect of missense changes on protein structure and function (PolyPhen-2) suggests that this variant is likely to be tolerated. In summary, the available evidence is currently insufficient to determine the role of this variant in disease. Therefore, it has been classified as a Variant of Uncertain Significance.